The following is an entry in ClinVar:

ClinVar aggregate classification (germline): Uncertain significance. Review status: criteria provided, multiple submitters, no conflicts (2 of 4 stars). 2 submissions from 2 submitters: Uncertain significance (2). Last evaluated 2024-02-06.

Conditions:
Peutz-Jeghers syndrome (PJS). Also called: POLYPOSIS, HAMARTOMATOUS INTESTINAL; POLYPS-AND-SPOTS SYNDROME; Peutz-Jeghers polyposis; Periorificial lentiginosis syndrome. Identifiers: Orphanet 2869, MedGen C0031269, MeSH D010580, MONDO:0008280, OMIM 175200.
Hereditary cancer-predisposing syndrome. Also called: Tumor predisposition; Hereditary neoplastic syndrome; Neoplastic Syndromes, Hereditary; Hereditary Cancer Syndrome. Identifiers: Orphanet 140162, MedGen C0027672, MeSH D009386, MONDO:0015356.

Submissions (2):

Ambry Genetics
Classification: Uncertain significance for Hereditary cancer-predisposing syndrome. Last evaluated: 2024-02-06. Review status: criteria provided, single submitter. Criteria: Ambry Variant Classification Scheme 2023. Collection method: clinical testing. Allele origin: germline.
Comment: The p.K84Q variant (also known as c.250A>C), located in coding exon 1 of the STK11 gene, results from an A to C substitution at nucleotide position 250. The lysine at codon 84 is replaced by glutamine, an amino acid with similar properties. This amino acid position is highly conserved in available vertebrate species. In addition, the in silico prediction for this alteration is inconclusive. Based on the available evidence, the clinical significance of this alteration remains unclear.

Labcorp Genetics (formerly Invitae), Labcorp
Classification: Uncertain significance for Peutz-Jeghers syndrome. Last evaluated: 2021-08-24. Review status: criteria provided, single submitter. Criteria: Invitae Variant Classification Sherloc (09022015). Collection method: clinical testing. Allele origin: germline.
Comment: This sequence change replaces lysine with glutamine at codon 84 of the STK11 protein (p.Lys84Gln). The lysine residue is highly conserved and there is a small physicochemical difference between lysine and glutamine. This variant is not present in population databases (ExAC no frequency). This variant has not been reported in the literature in individuals affected with STK11-related conditions. Advanced modeling of protein sequence and biophysical properties (such as structural, functional, and spatial information, amino acid conservation, physicochemical variation, residue mobility, and thermodynamic stability) performed at Invitae indicates that this missense variant is expected to disrupt STK11 protein function. In summary, the available evidence is currently insufficient to determine the role of this variant in disease. Therefore, it has been classified as a Variant of Uncertain Significance.

NM_000455.5(STK11):c.250A>C (p.Lys84Gln)

Gene: STK11 (serine/threonine kinase 11; plus strand). Cytogenetic location: 19p13.3.
Variant type: single nucleotide variant.
Coding change: c.250A>C on transcript NM_000455.5 (MANE Select); coding-DNA position 250, A replaced by C.
Protein change: p.Lys84Gln; replaces lysine 84 with glutamine.
Molecular consequence: missense variant.
Genome position (GRCh38, 1-based): chr19:1,207,163, A>C. VCF-style: chr19-1207163-A-C. GRCh37 (hg19) VCF-style: chr19-1207162-A-C.
Other names: c.250A>C (NM_000455.4); short protein forms K84Q.
Identifiers: ClinVar variation 1377329 (VCV001377329.7), dbSNP rs137853076, ClinGen allele CA402944505.